The following is an entry in ClinVar:

ClinVar aggregate classification (germline): Uncertain significance (1 of 4 stars; one submission).

Submission:

Labcorp Genetics (formerly Invitae), Labcorp
Classification: Uncertain significance. Last evaluated: 2023-12-01. Review status: criteria provided, single submitter. Criteria: Invitae Variant Classification Sherloc (09022015). Collection method: clinical testing. Allele origin: unknown.
Comment: This variant is a gross deletion of the genomic region encompassing exon(s) 5-9 of the PALM gene, which includes the termination codon. This deletion extends beyond the assayed region for this gene and therefore may encompass additional genes. While this deletion is not anticipated to lead to nonsense mediated decay, it is expected to alter mRNA translation or result in a truncated protein product. This variant has not been reported in the literature in individuals affected with PALM-related conditions. Experimental studies and prediction algorithms are not available or were not evaluated, and the functional significance of this variant is currently unknown. In summary, the available evidence is currently insufficient to determine the role of this variant in disease. Therefore, it has been classified as a Variant of Uncertain Significance.

NC_000019.9:g.(?_731075)_(746814_?)dup

Gene: PALM (paralemmin; plus strand). Cytogenetic location: 19p13.3.
Variant type: Duplication.
Identifiers: ClinVar variation 3242674 (VCV003242674.1).